The following is an entry in ClinVar:

ClinVar aggregate classification (germline): Conflicting classifications of pathogenicity. Review status: criteria provided, conflicting classifications (1 of 4 stars). 3 submissions from 3 submitters: Uncertain significance (2); Benign (1). Last evaluated 2026-09-15.

Conditions:
Inborn genetic diseases. Identifiers: MedGen C0950123, MeSH D030342.
EP300-related disorder. Also called: EP300-related condition; EP300-related disorders.
Rubinstein-Taybi syndrome due to EP300 haploinsufficiency. Also called: EP300-Related Rubinstein-Taybi Syndrome; RUBINSTEIN-TAYBI SYNDROME 2. Identifiers: Orphanet 353284, Orphanet 783, MedGen C3150941, MONDO:0013364, OMIM 613684.

gnomAD v4.1: 14 of 1,613,910 alleles (0.00087%); highest among the groups gnomAD compares: African/African-American, 0.015%; no homozygotes.

Submissions (3):

PreventionGenetics, part of Exact Sciences
Classification: Uncertain significance for EP300-related condition. Last evaluated: 2026-09-15. Review status: criteria provided, single submitter. Criteria: ACMG Guidelines, 2015. Collection method: clinical testing. Allele origin: germline.
Comment: The EP300 c.1456G>A variant is predicted to result in the amino acid substitution p.Val486Met. To our knowledge, this variant has not been reported in the literature. This variant is reported in 0.012% of alleles in individuals of African descent in gnomAD. Although we suspect that this variant may be benign, at this time, the clinical significance of this variant is uncertain due to the absence of conclusive functional and genetic evidence.

Ambry Genetics
Classification: Uncertain significance for Inborn genetic diseases. Last evaluated: 2025-10-29. Review status: criteria provided, single submitter. Criteria: Ambry Variant Classification Scheme 2023. Collection method: clinical testing. Allele origin: germline.

Labcorp Genetics (formerly Invitae), Labcorp
Classification: Benign for Rubinstein-Taybi syndrome due to EP300 haploinsufficiency. Last evaluated: 2025-10-23. Review status: criteria provided, single submitter. Criteria: Invitae Variant Classification Sherloc (09022015). Collection method: clinical testing. Allele origin: germline.

NM_001429.4(EP300):c.1456G>A (p.Val486Met)

Gene: EP300 (EP300 lysine acetyltransferase; plus strand). Cytogenetic location: 22q13.2.
Variant type: single nucleotide variant.
Coding change: c.1456G>A on transcript NM_001429.4 (MANE Select); coding-DNA position 1456, G replaced by A.
Protein change: p.Val486Met; replaces valine 486 with methionine.
Molecular consequence: missense variant.
Genome position (GRCh38, 1-based): chr22:41,131,561, G>A. VCF-style: chr22-41131561-G-A. GRCh37 (hg19) VCF-style: chr22-41527565-G-A.
Other names: c.1456G>A, p.Val486Met (NM_001362843.2); c.1456G>A (NM_001429.3); short protein forms V486M.
Identifiers: ClinVar variation 3719700 (VCV003719700.4).